The following is an entry in ClinVar:

ClinVar aggregate classification (germline): Uncertain significance (1 of 4 stars; one submission).

Conditions:
Familial sleep-related hypermotor epilepsy. Also called: Autosomal Dominant Sleep-Related Hypermotor (Hyperkinetic) Epilepsy. Identifiers: Orphanet 98784, MedGen C3696898, MONDO:0000030.

Submission:

Labcorp Genetics (formerly Invitae), Labcorp
Classification: Uncertain significance. Last evaluated: 2022-01-12. Review status: criteria provided, single submitter. Criteria: Invitae Variant Classification Sherloc (09022015). Collection method: clinical testing. Allele origin: germline.
Comment: This sequence change replaces valine, which is neutral and non-polar, with leucine, which is neutral and non-polar, at codon 191 of the CHRNB2 protein (p.Val191Leu). In summary, the available evidence is currently insufficient to determine the role of this variant in disease. Therefore, it has been classified as a Variant of Uncertain Significance. Advanced modeling of protein sequence and biophysical properties (such as structural, functional, and spatial information, amino acid conservation, physicochemical variation, residue mobility, and thermodynamic stability) performed at Invitae indicates that this missense variant is not expected to disrupt CHRNB2 protein function. This variant has not been reported in the literature in individuals affected with CHRNB2-related conditions. This variant is not present in population databases (gnomAD no frequency).

NM_000748.3(CHRNB2):c.571G>T (p.Val191Leu)

Gene: CHRNB2 (cholinergic receptor nicotinic beta 2 subunit; plus strand). Cytogenetic location: 1q21.3.
Variant type: single nucleotide variant.
Coding change: c.571G>T on transcript NM_000748.3 (MANE Select); coding-DNA position 571, G replaced by T.
Protein change: p.Val191Leu; replaces valine 191 with leucine.
Molecular consequence: missense variant.
Genome position (GRCh38, 1-based): chr1:154,571,394, G>T. VCF-style: chr1-154571394-G-T. GRCh37 (hg19) VCF-style: chr1-154543870-G-T.
Other names: short protein forms V191L.
Identifiers: ClinVar variation 1461202 (VCV001461202.8), dbSNP rs2101520587, ClinGen allele CA342630379.